The following is an entry in ClinVar:

ClinVar aggregate classification (germline): Uncertain significance. Review status: criteria provided, multiple submitters, no conflicts (2 of 4 stars). 2 submissions from 2 submitters: Uncertain significance (2). Last evaluated 2022-08-09.

Submissions (2):

Labcorp Genetics (formerly Invitae), Labcorp
Classification: Uncertain significance. Last evaluated: 2022-08-09. Review status: criteria provided, single submitter. Criteria: Invitae Variant Classification Sherloc (09022015). Collection method: clinical testing. Allele origin: germline.
Comment: This variant has not been reported in the literature in individuals affected with USP7-related conditions. ClinVar contains an entry for this variant (Variation ID: 1326772). Algorithms developed to predict the effect of missense changes on protein structure and function are either unavailable or do not agree on the potential impact of this missense change (SIFT: "Deleterious"; PolyPhen-2: "Benign"; Align-GVGD: "Class C35"). In summary, the available evidence is currently insufficient to determine the role of this variant in disease. Therefore, it has been classified as a Variant of Uncertain Significance. This sequence change replaces tryptophan, which is neutral and slightly polar, with cysteine, which is neutral and slightly polar, at codon 173 of the USP7 protein (p.Trp173Cys). This variant is not present in population databases (gnomAD no frequency).

GeneDx
Classification: Uncertain significance. Last evaluated: 2021-05-28. Review status: criteria provided, single submitter. Criteria: GeneDx Variant Classification Process June 2021. Collection method: clinical testing. Allele origin: germline. Affected: yes.
Comment: Not observed in large population cohorts (Lek et al., 2016); In silico analysis supports that this missense variant has a deleterious effect on protein structure/function; Has not been previously published as pathogenic or benign to our knowledge; This variant is associated with the following publications: (PMID: 27535533)

NM_003470.3(USP7):c.519G>C (p.Trp173Cys)

Gene: USP7 (ubiquitin specific peptidase 7; minus strand). Cytogenetic location: 16p13.2.
Variant type: single nucleotide variant.
Coding change: c.519G>C on transcript NM_003470.3 (MANE Select); coding-DNA position 519, G replaced by C.
Protein change: p.Trp173Cys; replaces tryptophan 173 with cysteine.
Molecular consequence: missense variant. On other transcripts: non-coding transcript variant (1).
Genome position (GRCh38, 1-based): chr16:8,921,160, C>G on the plus strand (G>C on the coding strand, the complement: USP7 is on the minus strand). VCF-style: chr16-8921160-C-G. GRCh37 (hg19) VCF-style: chr16-9015017-C-G.
Other names: c.471G>C, p.Trp157Cys (NM_001286457.2); c.222G>C, p.Trp74Cys (NM_001286458.2); c.345G>C, p.Trp115Cys (NM_001321858.2); short protein forms W115C, W157C, W173C, W74C.
Identifiers: ClinVar variation 1326772 (VCV001326772.7), dbSNP rs2141211545, ClinGen allele CA394704669.
Genomic context (GRCh38, chr16:8,921,160, plus strand): 5'-AAGGGAACAACAAGCAGTAATGCACCAATTGTTCAGACTAAATACACTGTTACTTACACT[C>G]CAGGCCATAAAATTGGAAAATCCCCAATCATTTTCTTTATGGAAGAACAAATGACTAATA-3'
Protein context (NP_003461.2, residues 163-183): NDWGFSNFMA[Trp173Cys]SEVTDPEKGF